The following is an entry in ClinVar:

ClinVar aggregate classification (germline): Conflicting classifications of pathogenicity. Review status: criteria provided, conflicting classifications (1 of 4 stars). 7 submissions from 7 submitters: Uncertain significance (2); Likely benign (3). 2 of the submissions do not count toward it. Last evaluated 2026-01-12.

Conditions:
Autosomal dominant slowed nerve conduction velocity. Identifiers: Orphanet 140481, MedGen C1842357, MONDO:0011998, OMIM 608236.

Allele frequency attached by ClinVar (database versions not stated): gnomAD 0.00080 and 0.00082; ExAC 0.00084; TOPMed 0.00085; ESP Exome Variant Server 0.00138.
gnomAD v4.1: 1,523 of 1,613,906 alleles (0.094%); highest among the groups gnomAD compares: Non-Finnish European, 0.12%; 2 homozygotes.

Submissions (7):

Labcorp Genetics (formerly Invitae), Labcorp
Classification: Uncertain significance. Last evaluated: 2026-01-12. Review status: criteria provided, single submitter. Criteria: Invitae Variant Classification Sherloc (09022015). Collection method: clinical testing. Allele origin: germline.
Comment: This sequence change replaces alanine, which is neutral and non-polar, with valine, which is neutral and non-polar, at codon 134 of the ARHGEF10 protein (p.Ala134Val). This variant is present in population databases (rs151080025, gnomAD 0.1%), and has an allele count higher than expected for a pathogenic variant. This variant has not been reported in the literature in individuals affected with ARHGEF10-related conditions. ClinVar contains an entry for this variant (Variation ID: 810896). An algorithm developed to predict the effect of missense changes on protein structure and function (PolyPhen-2) suggests that this variant is likely to be disruptive. In summary, the available evidence is currently insufficient to determine the role of this variant in disease. Therefore, it has been classified as a Variant of Uncertain Significance.

Women's Health and Genetics/Laboratory Corporation of America, LabCorp
Classification: Likely benign. Last evaluated: 2026-01-06. Review status: criteria provided, single submitter. Criteria: LabCorp Variant Classification Summary - May 2015. Collection method: clinical testing. Allele origin: germline.
Comment: Variant summary: ARHGEF10 c.401C>T (p.Ala134Val) results in a non-conservative amino acid change in the encoded protein sequence. Algorithms developed to predict the effect of missense changes on protein structure and function all suggest that this variant is likely to be disruptive. The variant allele was found at a frequency of 0.00083 in 251280 control chromosomes, predominantly at a frequency of 0.0014 within the Non-Finnish European subpopulation in the gnomAD database, including 2 homozygotes. The observed variant frequency within Non-Finnish European control individuals in the gnomAD database exceeds the estimated maximal expected allele frequency for disease-causing variants in ARHGEF10. To our knowledge, no occurrence of c.401C>T in individuals affected with ARHGEF10-related conditions and no experimental evidence demonstrating its impact on protein function have been reported. ClinVar contains an entry for this variant (Variation ID: 810896). Based on the evidence outlined above, the variant was classified as likely benign.

Blueprint Genetics
Classification: Likely benign. Last evaluated: 2024-10-24. Review status: criteria provided, single submitter. Criteria: ACMG Guidelines, 2015. Collection method: clinical testing. Allele origin: germline.

CeGaT Center for Human Genetics Tuebingen
Classification: Likely benign. Last evaluated: 2023-07-01. Review status: criteria provided, single submitter. Criteria: CeGaT Center For Human Genetics Tuebingen Variant Classification Criteria Version 2. Collection method: clinical testing. Allele origin: germline. Affected: yes. Observed: 2 variant alleles.
Comment: ARHGEF10: BS2

ARUP Laboratories, Molecular Genetics and Genomics, ARUP Laboratories
Classification: Uncertain significance for Autosomal dominant slowed nerve conduction velocity. Last evaluated: 2019-06-27. Review status: criteria provided, single submitter. Criteria: ARUP Molecular Germline Variant Investigation Process. Collection method: clinical testing. Allele origin: germline.

Clinical Genetics, Academic Medical Center
Classification: Likely benign. Review status: no assertion criteria provided. Collection method: clinical testing. Allele origin: germline. Affected: yes. Study: VKGL Data-share Consensus. Not counted in ClinVar's aggregate classification.

Genome Diagnostics Laboratory, University Medical Center Utrecht
Classification: Likely benign. Review status: no assertion criteria provided. Collection method: clinical testing. Allele origin: germline. Affected: yes. Study: VKGL Data-share Consensus. Not counted in ClinVar's aggregate classification.

NM_014629.4(ARHGEF10):c.401C>T (p.Ala134Val)

Gene: ARHGEF10 (Rho guanine nucleotide exchange factor 10; plus strand). Cytogenetic location: 8p23.3.
Variant type: single nucleotide variant.
Coding change: c.401C>T on transcript NM_014629.4 (MANE Select); coding-DNA position 401, C replaced by T.
Protein change: p.Ala134Val; replaces alanine 134 with valine.
Molecular consequence: missense variant.
Genome position (GRCh38, 1-based): chr8:1,860,104, C>T. VCF-style: chr8-1860104-C-T. GRCh37 (hg19) VCF-style: chr8-1808270-C-T.
Other names: c.401C>T, p.Ala134Val (NM_001308152.2, NM_001308153.3); short protein forms A134V, A158V.
Identifiers: ClinVar variation 810896 (VCV000810896.41), dbSNP rs151080025, ClinGen allele CA4599741.